The following is an entry in ClinVar:

ClinVar aggregate classification (germline): Likely pathogenic (1 of 4 stars; one submission).

Conditions:
Rhizomelic chondrodysplasia punctata (RCDP). Identifiers: Orphanet 177, MedGen C0282529, MONDO:0015776. Disease mechanism: loss of function.

Submission:

Natera, Inc.
Classification: Likely pathogenic for Rhizomelic Chondrodysplasia Punctata. Last evaluated: 2024-03-27. Review status: criteria provided, single submitter. Criteria: Natera Variant Classification Schema (03/2026). Collection method: clinical testing. Allele origin: germline.
Comment: The c.364dupA variant in PEX7 is a frameshift variant predicted to shift the reading frame beginning at codon 122 and leads to a stop codon 4 codons downstream. This variant is expected to result in nonsense mediated decay, truncation, or a dysfunctional protein product. This variant is rare in the general population with a frequency below the threshold expected for the associated phenotype(s). Given the available evidence, this variant is classified as Likely Pathogenic.

NM_000288.4(PEX7):c.364dup (p.Thr122fs)

Gene: PEX7 (peroxisomal biogenesis factor 7; plus strand). Cytogenetic location: 6q23.3.
Variant type: Duplication.
Coding change: c.364dup on transcript NM_000288.4 (MANE Select); coding-DNA position 364, one base duplicated (A; older notation c.364dupA).
Protein change: p.Thr122fs; shifts the reading frame from threonine 122.
Molecular consequence: frameshift variant.
Genome position (GRCh38, 1-based): chr6:136,845,639, A duplicated; the last of 3 consecutive A bases (chr6:136,845,637-136,845,639); duplicating any one gives the same sequence. VCF-style (leftmost placement, unchanged base first): chr6-136845636-C-CA. GRCh37 (hg19) VCF-style: chr6-137166774-C-CA.
Other names: c.250dup, p.Thr84fs (NM_001410945.1); short protein forms T122fs, T84fs.
Identifiers: ClinVar variation 4818125 (VCV004818125.1).